The following is an entry in ClinVar:

ClinVar aggregate classification (germline): Uncertain significance. Review status: criteria provided, multiple submitters, no conflicts (2 of 4 stars). 4 submissions from 4 submitters: Uncertain significance (4). Last evaluated 2025-09-26.

Allele frequency attached by ClinVar (database versions not stated): gnomAD exomes 0.00001 and 0.00003; ExAC 0.00003; TOPMed 0.00009; gnomAD 0.00011; 1000 Genomes Project 0.00020; 1000 Genomes Project 30x 0.00031.
gnomAD v4.1: 35 of 1,613,942 alleles (0.0022%); highest among the groups gnomAD compares: African/African-American, 0.037%; no homozygotes.

Submissions (4):

Labcorp Genetics (formerly Invitae), Labcorp
Classification: Uncertain significance. Last evaluated: 2025-09-26. Review status: criteria provided, single submitter. Criteria: Invitae Variant Classification Sherloc (09022015). Collection method: clinical testing. Allele origin: germline.
Comment: This sequence change replaces arginine, which is basic and polar, with glutamine, which is neutral and polar, at codon 350 of the WHRN protein (p.Arg350Gln). This variant is present in population databases (rs529362314, gnomAD 0.04%). This variant has not been reported in the literature in individuals affected with WHRN-related conditions. ClinVar contains an entry for this variant (Variation ID: 596329). An algorithm developed to predict the effect of missense changes on protein structure and function outputs the following: PolyPhen-2: "Benign". The glutamine amino acid residue is found in multiple mammalian species, which suggests that this missense change does not adversely affect protein function. In summary, the available evidence is currently insufficient to determine the role of this variant in disease. Therefore, it has been classified as a Variant of Uncertain Significance.

Blueprint Genetics
Classification: Uncertain significance. Last evaluated: 2023-12-14. Review status: criteria provided, single submitter. Criteria: ACMG Guidelines, 2015. Collection method: clinical testing. Allele origin: germline.

GeneDx
Classification: Uncertain significance. Last evaluated: 2022-04-06. Review status: criteria provided, single submitter. Criteria: GeneDx Variant Classification Process June 2021. Collection method: clinical testing. Allele origin: germline. Affected: yes.
Comment: In silico analysis supports that this missense variant does not alter protein structure/function; Has not been previously published as pathogenic or benign to our knowledge

Eurofins Ntd Llc (ga)
Classification: Uncertain significance. Last evaluated: 2018-03-20. Review status: criteria provided, single submitter. Criteria: EGL ClinVar v180209 classification definitions. Collection method: clinical testing. Allele origin: germline. Observed: 1 variant allele, 1 heterozygote.

NM_015404.4(WHRN):c.1049G>A (p.Arg350Gln)

Gene: WHRN (whirlin; minus strand). Cytogenetic location: 9q32.
Variant type: single nucleotide variant.
Coding change: c.1049G>A on transcript NM_015404.4 (MANE Select); coding-DNA position 1049, G replaced by A.
Protein change: p.Arg350Gln; replaces arginine 350 with glutamine.
Molecular consequence: missense variant. On other transcripts: 5 prime UTR variant (1).
Genome position (GRCh38, 1-based): chr9:114,426,328, C>T on the plus strand (G>A on the coding strand, the complement: WHRN is on the minus strand). VCF-style: chr9-114426328-C-T. GRCh37 (hg19) VCF-style: chr9-117188608-C-T.
Other names: c.-101G>A (NM_001083885.3); c.1049G>A, p.Arg350Gln (NM_001173425.2); short protein forms R350Q.
Identifiers: ClinVar variation 596329 (VCV000596329.15), dbSNP rs529362314, ClinGen allele CA5206090.